The following is an entry in ClinVar:

NM_201384.3(PLEC):c.1264-3C>T

Gene: PLEC (plectin; minus strand). Cytogenetic location: 8q24.3.
Variant type: single nucleotide variant.
Coding change: c.1264-3C>T on transcript NM_201384.3 (MANE Select); 3 bases into the intron before coding-DNA position 1264, C replaced by T.
Molecular consequence: intron variant.
Genome position (GRCh38, 1-based): chr8:143,933,354, G>A on the plus strand (C>T on the coding strand, the complement: PLEC is on the minus strand). VCF-style: chr8-143933354-G-A. GRCh37 (hg19) VCF-style: chr8-145007522-G-A.
Other names: c.1345-3C>T (NM_000445.5); c.1222-3C>T (NM_201378.4); c.1198-3C>T (NM_201379.3); c.1675-3C>T (NM_201380.4); c.1168-3C>T (NM_201381.3); c.1264-3C>T (NM_201382.4); c.1276-3C>T (NM_201383.3).
Identifiers: ClinVar variation 1962187 (VCV001962187.5), dbSNP rs782725339, ClinGen allele CA4928032.

ClinVar aggregate classification (germline): Uncertain significance (1 of 4 stars; one submission).

Conditions:
Epidermolysis bullosa simplex 5B, with muscular dystrophy (EBS5B). Also called: Epidermolysis bullosa simplex with muscular dystrophy; EPIDERMOLYSIS BULLOSA SIMPLEX AND LIMB-GIRDLE MUSCULAR DYSTROPHY. Identifiers: Orphanet 257, MedGen C2931072, MONDO:0009181, OMIM 226670.
Epidermolysis bullosa simplex, Ogna type (EBS5A). Also called: Pidermolysis bullosa simplex 5A, Ogna type; EPIDERMOLYSIS BULLOSA SIMPLEX 5A, OGNA TYPE. Identifiers: Orphanet 79401, MedGen C0432317, MONDO:0007555, OMIM 131950.
Epidermolysis bullosa simplex with nail dystrophy (EBS5D). Identifiers: MedGen C4225309, MONDO:0014661, OMIM 616487.
Epidermolysis bullosa simplex 5C, with pyloric atresia (EBS5C). Also called: PLEC1-Related Epidermolysis Bullosa with Pyloric Atresia; PLEC-Related Epidermolysis Bullosa with Pyloric Atresia; Epidermolysis bullosa simplex with pyloric atresia. Identifiers: Orphanet 158684, MedGen C2677349, MONDO:0012807, OMIM 612138.
Autosomal recessive limb-girdle muscular dystrophy type 2Q (LGMDR17). Also called: MUSCULAR DYSTROPHY, LIMB-GIRDLE, AUTOSOMAL RECESSIVE 17. Identifiers: Orphanet 254361, MedGen C3150989, MONDO:0013390, OMIM 613723.

Allele frequency attached by ClinVar (database versions not stated): gnomAD exomes below 0.00001; ExAC 0.00001.
gnomAD v4.1: 1 of 1,610,134 alleles (0.000062%); highest among the groups gnomAD compares: Non-Finnish European, 0.000085%; no homozygotes.

Submission:

Labcorp Genetics (formerly Invitae), Labcorp
Classification: Uncertain significance for Autosomal recessive limb-girdle muscular dystrophy type 2Q; Epidermolysis bullosa simplex, Ogna type; Epidermolysis bullosa simplex with nail dystrophy; Epidermolysis bullosa simplex 5C, with pyloric atresia; Epidermolysis bullosa simplex 5B, with muscular dystrophy. Last evaluated: 2022-04-23. Review status: criteria provided, single submitter. Criteria: Invitae Variant Classification Sherloc (09022015). Collection method: clinical testing. Allele origin: germline.
Comment: In summary, the available evidence is currently insufficient to determine the role of this variant in disease. Therefore, it has been classified as a Variant of Uncertain Significance. Variants that disrupt the consensus splice site are a relatively common cause of aberrant splicing (PMID: 17576681, 9536098). Algorithms developed to predict the effect of sequence changes on RNA splicing suggest that this variant is not likely to affect RNA splicing. This variant has not been reported in the literature in individuals affected with PLEC-related conditions. The frequency data for this variant in the population databases is considered unreliable, as metrics indicate poor data quality at this position in the gnomAD database. This sequence change falls in intron 13 of the PLEC gene. It does not directly change the encoded amino acid sequence of the PLEC protein. It affects a nucleotide within the consensus splice site.

Literature cited by the submitters: PubMed 17576681; PubMed 9536098.